The following is an entry in ClinVar:

NM_001903.5(CTNNA1):c.2544T>G (p.Gly848=)

Gene: CTNNA1 (catenin alpha 1; plus strand). Cytogenetic location: 5q31.2.
Variant type: single nucleotide variant.
Coding change: c.2544T>G on transcript NM_001903.5 (MANE Select); coding-DNA position 2544, T replaced by G.
Protein change: p.Gly848=; no amino-acid change (glycine 848 retained).
Molecular consequence: synonymous variant. On other transcripts: 3 prime UTR variant (5).
Genome position (GRCh38, 1-based): chr5:138,933,912, T>G. VCF-style: chr5-138933912-T-G. GRCh37 (hg19) VCF-style: chr5-138269601-T-G.
Other names: c.*89T>G (NM_001290307.3, NM_001324002.1, NM_001324003.1 and 2 more transcripts); c.2235T>G, p.Gly745= (NM_001290309.3); c.2175T>G, p.Gly725= (NM_001290310.3); c.1434T>G, p.Gly478= (NM_001290312.1, NM_001323987.1, NM_001323988.1 and 12 more transcripts); c.2544T>G, p.Gly848= (NM_001323982.2, NM_001323983.1, NM_001323984.2); c.2517T>G, p.Gly839= (NM_001323985.2); c.2451T>G, p.Gly817= (NM_001323986.2); c.1299T>G, p.Gly433= (NM_001324001.1); and 3 more.
Identifiers: ClinVar variation 1792873 (VCV001792873.3), dbSNP rs1386871916, ClinGen allele CA446793216.

ClinVar aggregate classification (germline): Benign/Likely benign. Review status: criteria provided, multiple submitters, no conflicts (2 of 4 stars). 2 submissions from 2 submitters: Benign (1); Likely benign (1). Last evaluated 2024-10-15.

Conditions:
Hereditary cancer-predisposing syndrome. Also called: Neoplastic Syndromes, Hereditary; Tumor predisposition; Hereditary neoplastic syndrome; Hereditary Cancer Syndrome. Identifiers: Orphanet 140162, MedGen C0027672, MeSH D009386, MONDO:0015356.
Hereditary diffuse gastric adenocarcinoma (HDGC). Also called: DIFFUSE GASTRIC AND LOBULAR BREAST CANCER SYNDROME. Identifiers: Orphanet 26106, MedGen C1708349, MONDO:0007648, OMIM 137215.

Allele frequency attached by ClinVar (database versions not stated): gnomAD exomes below 0.00001.
gnomAD v4.1: 6 of 1,614,114 alleles (0.00037%); highest among the groups gnomAD compares: Non-Finnish European, 0.00051%; no homozygotes.

Submissions (2):

Myriad Genetics, Inc.
Classification: Benign for Hereditary diffuse gastric adenocarcinoma. Last evaluated: 2024-10-15. Review status: criteria provided, single submitter. Criteria: Myriad Autosomal Dominant, Autosomal Recessive and X-Linked Classification Criteria (2023). Collection method: clinical testing. Allele origin: unknown.
Comment: This variant is considered benign. This variant is a silent/synonymous amino acid change and it is not expected to impact splicing.

Ambry Genetics
Classification: Likely benign for Hereditary cancer-predisposing syndrome. Last evaluated: 2019-10-31. Review status: criteria provided, single submitter. Criteria: Ambry Variant Classification Scheme 2023. Collection method: clinical testing. Allele origin: germline.